The following is an entry in ClinVar:

ClinVar aggregate classification (germline): Uncertain significance (1 of 4 stars; one submission).

Allele frequency attached by ClinVar (database versions not stated): gnomAD exomes below 0.00001.
gnomAD v4.1: 7 of 1,614,170 alleles (0.00043%); highest among the groups gnomAD compares: South Asian, 0.0066%; no homozygotes.

Submission:

Labcorp Genetics (formerly Invitae), Labcorp
Classification: Uncertain significance. Last evaluated: 2024-04-25. Review status: criteria provided, single submitter. Criteria: Invitae Variant Classification Sherloc (09022015). Collection method: clinical testing. Allele origin: germline.
Comment: This sequence change replaces proline, which is neutral and non-polar, with threonine, which is neutral and polar, at codon 935 of the COL4A4 protein (p.Pro935Thr). This variant is not present in population databases (gnomAD no frequency). This variant has not been reported in the literature in individuals affected with COL4A4-related conditions. ClinVar contains an entry for this variant (Variation ID: 1943946). Advanced modeling of protein sequence and biophysical properties (such as structural, functional, and spatial information, amino acid conservation, physicochemical variation, residue mobility, and thermodynamic stability) performed at Invitae indicates that this missense variant is not expected to disrupt COL4A4 protein function with a negative predictive value of 95%. In summary, the available evidence is currently insufficient to determine the role of this variant in disease. Therefore, it has been classified as a Variant of Uncertain Significance.

NM_000092.5(COL4A4):c.2803C>A (p.Pro935Thr)

Gene: COL4A4 (collagen type IV alpha 4 chain; minus strand). Cytogenetic location: 2q36.3.
Variant type: single nucleotide variant.
Coding change: c.2803C>A on transcript NM_000092.5 (MANE Select); coding-DNA position 2803, C replaced by A.
Protein change: p.Pro935Thr; replaces proline 935 with threonine.
Molecular consequence: missense variant.
Genome position (GRCh38, 1-based): chr2:227,054,651, G>T on the plus strand (C>A on the coding strand, the complement: COL4A4 is on the minus strand). VCF-style: chr2-227054651-G-T. GRCh37 (hg19) VCF-style: chr2-227919367-G-T.
Other names: short protein forms P935T.
Identifiers: ClinVar variation 1943946 (VCV001943946.5), dbSNP rs2474079034, ClinGen allele CA350840109.
Genomic context (GRCh38, chr2:227,054,651, plus strand): 5'-TACCTTTGGCCCCTCTCAGTCCCCGGTCTCCAGGAAGGCCAGACATGCCCTTCTCTCCAG[G>T]TTCTCCCTTTGCGCCAGGACATCCCTCTGCACCAGGCTTTCCTCTTTCTCCGGGAAAACC-3'
Protein context (NP_000083.3, residues 925-945): AEGCPGAKGE[Pro935Thr]GEKGMSGLPG